The following is an entry in ClinVar:

ClinVar aggregate classification (germline): Uncertain significance. Review status: criteria provided, multiple submitters, no conflicts (2 of 4 stars). 2 submissions from 2 submitters: Uncertain significance (2). Last evaluated 2025-07-08.

Conditions:
Hereditary nonpolyposis colorectal neoplasms. Identifiers: MedGen C0009405, MeSH D003123.
Hereditary cancer-predisposing syndrome. Also called: Tumor predisposition; Hereditary neoplastic syndrome; Neoplastic Syndromes, Hereditary; Hereditary Cancer Syndrome. Identifiers: Orphanet 140162, MedGen C0027672, MeSH D009386, MONDO:0015356.

Submissions (2):

Ambry Genetics
Classification: Uncertain significance for Hereditary cancer-predisposing syndrome. Last evaluated: 2025-07-08. Review status: criteria provided, single submitter. Criteria: Ambry Variant Classification Scheme 2023. Collection method: clinical testing. Allele origin: germline.
Comment: The c.2589A>G variant (also known as p.*863Wext*2), located in coding exon 15 of the PMS2 gene, results from a A to G substitution at nucleotide position 2589. This alteration disrupts the stop codon of the PMS2 gene and is predicted to preserve the native sequence while resulting in the elongation of the protein by two amino acids. The exact functional effect of the additional amino acids is unknown. Based on the available evidence, the clinical significance of this variant remains unclear.

Labcorp Genetics (formerly Invitae), Labcorp
Classification: Uncertain significance for Hereditary nonpolyposis colorectal neoplasms. Last evaluated: 2022-09-26. Review status: criteria provided, single submitter. Criteria: Invitae Variant Classification Sherloc (09022015). Collection method: clinical testing. Allele origin: germline.
Comment: This sequence change disrupts the translational stop signal of the PMS2 mRNA. It is expected to extend the length of the PMS2 protein by 2 additional amino acid residues. In summary, the available evidence is currently insufficient to determine the role of this variant in disease. Therefore, it has been classified as a Variant of Uncertain Significance. Experimental studies and prediction algorithms are not available or were not evaluated, and the functional significance of this variant is currently unknown. ClinVar contains an entry for this variant (Variation ID: 961101). This variant has not been reported in the literature in individuals affected with PMS2-related conditions. The frequency data for this variant in the population databases (gnomAD) is considered unreliable due to the presence of homologous sequence, such as pseudogenes or paralogs, in the genome.

NM_000535.7(PMS2):c.2589A>G (p.Ter863Trp)

Gene: PMS2 (PMS1 homolog 2, mismatch repair system component; minus strand). Cytogenetic location: 7p22.1.
Variant type: single nucleotide variant.
Coding change: c.2589A>G on transcript NM_000535.7 (MANE Select); coding-DNA position 2589, A replaced by G.
Protein change: p.Ter863Trp.
Molecular consequence: stop lost. On other transcripts: non-coding transcript variant (1).
Genome position (GRCh38, 1-based): chr7:5,973,399, T>C on the plus strand (A>G on the coding strand, the complement: PMS2 is on the minus strand). VCF-style: chr7-5973399-T-C. GRCh37 (hg19) VCF-style: chr7-6013030-T-C.
Other names: *739W; *811W; *863W; *874W; *552W; *728W; *757W; *672W; and 11 more.
Identifiers: ClinVar variation 961101 (VCV000961101.9), dbSNP rs1781477892, ClinGen allele CA366734670.